The following is an entry in ClinVar:

NM_002473.6(MYH9):c.5814C>T (p.Gly1938=)

Gene: MYH9 (myosin heavy chain 9; minus strand). Cytogenetic location: 22q12.3.
Variant type: single nucleotide variant.
Coding change: c.5814C>T on transcript NM_002473.6 (MANE Select); coding-DNA position 5814, C replaced by T.
Protein change: p.Gly1938=; no amino-acid change (glycine 1938 retained).
Molecular consequence: synonymous variant.
Genome position (GRCh38, 1-based): chr22:36,282,737, G>A on the plus strand (C>T on the coding strand, the complement: MYH9 is on the minus strand). VCF-style: chr22-36282737-G-A. GRCh37 (hg19) VCF-style: chr22-36678783-G-A.
Other names: c.5814C>T (NM_002473.5).
Identifiers: ClinVar variation 1215129 (VCV001215129.12), dbSNP rs147409380, ClinGen allele CA10208899.

ClinVar aggregate classification (germline): Likely benign. Review status: criteria provided, multiple submitters, no conflicts (2 of 4 stars). 3 submissions from 3 submitters: Likely benign (3). Last evaluated 2025-12-27.

Conditions:
MYH9-related disorder. Identifiers: MedGen C1854520.

Allele frequency attached by ClinVar (database versions not stated): gnomAD 0.00003 and 0.00004; gnomAD exomes 0.00003 and 0.00007; ExAC 0.00008; TOPMed 0.00009; ESP Exome Variant Server 0.00023.
gnomAD v4.1: 47 of 1,613,588 alleles (0.0029%); highest among the groups gnomAD compares: East Asian, 0.018%; no homozygotes.

Submissions (3):

PreventionGenetics, part of Exact Sciences
Classification: Likely benign for MYH9-related condition. Last evaluated: 2025-12-27. Review status: criteria provided, single submitter. Criteria: ACMG Guidelines, 2015. Collection method: clinical testing. Allele origin: germline.
Comment: This variant is classified as likely benign based on ACMG/AMP sequence variant interpretation guidelines (Richards et al. 2015 PMID: 25741868, with internal and published modifications).

Labcorp Genetics (formerly Invitae), Labcorp
Classification: Likely benign. Last evaluated: 2025-03-18. Review status: criteria provided, single submitter. Criteria: Invitae Variant Classification Sherloc (09022015). Collection method: clinical testing. Allele origin: germline.

GeneDx
Classification: Likely benign. Last evaluated: 2019-08-22. Review status: criteria provided, single submitter. Criteria: GeneDx Variant Classification Process June 2021. Collection method: clinical testing. Allele origin: germline. Affected: yes.